The following is an entry in ClinVar:

ClinVar aggregate classification (germline): Uncertain significance. Review status: criteria provided, multiple submitters, no conflicts (2 of 4 stars). 2 submissions from 2 submitters: Uncertain significance (2). Last evaluated 2026-05-06.

Conditions:
Cardiovascular phenotype. Identifiers: MedGen CN230736.
Naxos disease (NXD). Also called: PALMOPLANTAR KERATODERMA WITH ARRHYTHMOGENIC RIGHT VENTRICULAR CARDIOMYOPATHY AND WOOLLY HAIR; WOOLLY HAIR, PALMOPLANTAR KERATODERMA, AND CARDIAC ABNORMALITIES; KERATOSIS PALMOPLANTARIS WITH ARRHYTHMOGENIC CARDIOMYOPATHY; MAL DE NAXOS; CARDIOMYOPATHY, ARRHYTHMOGENIC RIGHT VENTRICULAR, WITH SKIN, HAIR, AND NAIL ABNORMALITIES. Identifiers: Orphanet 34217, MedGen C1832600, MONDO:0011017, OMIM 601214.
Arrhythmogenic right ventricular dysplasia 12. Also called: ARRHYTHMOGENIC RIGHT VENTRICULAR DYSPLASIA, FAMILIAL, 12. Identifiers: MedGen C1969081, MONDO:0012684, OMIM 611528.

Allele frequency attached by ClinVar (database versions not stated): gnomAD exomes 0.00001; TOPMed 0.00001.
gnomAD v4.1: 3 of 1,613,568 alleles (0.00019%); highest among the groups gnomAD compares: Admixed American, 0.005%; no homozygotes.

Submissions (2):

Ambry Genetics
Classification: Uncertain significance for Cardiovascular phenotype. Last evaluated: 2026-05-06. Review status: criteria provided, single submitter. Criteria: Ambry Variant Classification Scheme 2023. Collection method: clinical testing. Allele origin: germline.

Labcorp Genetics (formerly Invitae), Labcorp
Classification: Uncertain significance for Arrhythmogenic right ventricular dysplasia 12; Naxos disease. Last evaluated: 2024-08-01. Review status: criteria provided, single submitter. Criteria: Invitae Variant Classification Sherloc (09022015). Collection method: clinical testing. Allele origin: germline.
Comment: This sequence change replaces glycine, which is neutral and non-polar, with arginine, which is basic and polar, at codon 625 of the JUP protein (p.Gly625Arg). This variant is present in population databases (no rsID available, gnomAD 0.003%). This variant has not been reported in the literature in individuals affected with JUP-related conditions. ClinVar contains an entry for this variant (Variation ID: 409987). An algorithm developed to predict the effect of missense changes on protein structure and function (PolyPhen-2) suggests that this variant is likely to be disruptive. In summary, the available evidence is currently insufficient to determine the role of this variant in disease. Therefore, it has been classified as a Variant of Uncertain Significance.

NM_002230.4(JUP):c.1873G>C (p.Gly625Arg)

Gene: JUP (junction plakoglobin; minus strand). Cytogenetic location: 17q21.2.
Variant type: single nucleotide variant.
Coding change: c.1873G>C on transcript NM_002230.4 (MANE Select); coding-DNA position 1873, G replaced by C.
Protein change: p.Gly625Arg; replaces glycine 625 with arginine.
Molecular consequence: missense variant.
Genome position (GRCh38, 1-based): chr17:41,757,685, C>G on the plus strand (G>C on the coding strand, the complement: JUP is on the minus strand). VCF-style: chr17-41757685-C-G. GRCh37 (hg19) VCF-style: chr17-39913937-C-G.
Other names: c.1873G>C, p.Gly625Arg (NM_001352773.2, NM_001352774.2, NM_001352775.2 and 3 more transcripts); short protein forms G625R.
Identifiers: ClinVar variation 409987 (VCV000409987.11), dbSNP rs1060502678, ClinGen allele CA16615355.